The following is an entry in ClinVar:

NM_003000.3(SDHB):c.838G>A (p.Val280Ile)

Gene: SDHB (succinate dehydrogenase complex iron sulfur subunit B; minus strand). Cytogenetic location: 1p36.13.
Variant type: single nucleotide variant.
Coding change: c.838G>A on transcript NM_003000.3 (MANE Select); coding-DNA position 838, G replaced by A.
Protein change: p.Val280Ile; replaces valine 280 with isoleucine.
Molecular consequence: missense variant.
Genome position (GRCh38, 1-based): chr1:17,018,886, C>T on the plus strand (G>A on the coding strand, the complement: SDHB is on the minus strand). VCF-style: chr1-17018886-C-T. GRCh37 (hg19) VCF-style: chr1-17345381-C-T.
Other names: c.784G>A, p.Val262Ile (NM_001407361.1); short protein forms V280I, V262I.
Identifiers: ClinVar variation 5029278 (VCV005029278.1).

ClinVar aggregate classification (germline): Uncertain significance (1 of 4 stars; one submission).

Conditions:
Hereditary cancer-predisposing syndrome. Also called: Neoplastic Syndromes, Hereditary; Tumor predisposition; Hereditary neoplastic syndrome; Hereditary Cancer Syndrome. Identifiers: Orphanet 140162, MedGen C0027672, MeSH D009386, MONDO:0015356.

Submission:

Ambry Genetics
Classification: Uncertain significance for Hereditary cancer-predisposing syndrome. Last evaluated: 2026-07-07. Review status: criteria provided, single submitter. Criteria: Ambry Variant Classification Scheme 2023. Collection method: clinical testing. Allele origin: germline.
Comment: The p.V280I variant (also known as c.838G>A), located in coding exon 8 of the SDHB gene, results from a G to A substitution at nucleotide position 838. The valine at codon 280 is replaced by isoleucine, an amino acid with highly similar properties. This amino acid position is conserved. In addition, this alteration is predicted to be tolerated by in silico analysis. Based on the available evidence, the clinical significance of this variant remains unclear.